The following continues an entry in ClinVar:

NM_024675.4(PALB2):c.315G>C (p.Glu105Asp)

Gene: PALB2. ClinVar aggregate classification (germline): Conflicting classifications of pathogenicity. Uncertain significance (11); Likely benign (4).

Submissions 14 to 18 of 18:

Sema4
Classification: Uncertain significance for Hereditary cancer-predisposing syndrome. Last evaluated: 2022-02-24. Review status: criteria provided, single submitter. Criteria: Sema4 Curation Guidelines. Collection method: curation. Allele origin: germline.
Comment: The PALB2 c.315G>C (p.E105D) variant has been reported in heterozygosity in at least two individuals with breast cancer and/or ovarian cancer (PMID: 30651582, 22241545). It has also been reported in a case-control study in 4/60466 breast cancer cases and 1/53461 controls (PMID: 33471991). The variant was reported in 7/7051 breast cancer cases and 5/11241 controls in a different case-control study (PMID: 30287823). This variant was observed in 7/282494 chromosomes across all populations in the large and broad cohorst in the Genome Aggregation Database (PMID: 32461654). The variant has been reported in ClinVar (Variation ID: 126718). In silico tools suggest the impact of the variant on protein function is benign, though these predictions have not been confirmed by functional studies. The evidence is insufficient to meet ACMG/AMP criteria for classifying the variant as benign or pathogenic. Thus, the clinical significance of this variant is currently uncertain.

GeneDx
Classification: Uncertain significance. Last evaluated: 2021-02-10. Review status: criteria provided, single submitter. Criteria: GeneDx Variant Classification Process June 2021. Collection method: clinical testing. Allele origin: germline. Affected: yes.
Comment: In silico analysis supports that this missense variant does not alter protein structure/function; Observed in individuals with breast cancer, one of whom also had ovarian cancer but harbored a BRCA1 pathogenic variant, pancreatic cancer, and in unaffected controls (Tischkowitz 2012, Decker 2017, Momozawa 2018, Krivokuca 2019, Mizukami 2020); This variant is associated with the following publications: (PMID: 32980694, 30651582, 28779002, 30404791, 30287823, 22241545)

PreventionGenetics, part of Exact Sciences
Classification: Uncertain significance for PALB2-related condition. Last evaluated: 2024-02-12. Review status: no assertion criteria provided. Collection method: clinical testing. Allele origin: germline. Not counted in ClinVar's aggregate classification.
Comment: The PALB2 c.315G>C variant is predicted to result in the amino acid substitution p.Glu105Asp. This variant was reported in individuals with breast, ovarian, pancreatic, or biliary tract cancers; however, this variant was also documented in control individuals (supplementary data 1, Momozawa et al. 2018. PubMed ID: 30287823; Table S6, Mizukami et al. 2020. PubMed ID: 32980694; Table S2, Okawa et al. 2023. PubMed ID: 36243179; Prokofyeva et al. 2023. PubMed ID: 37013556). This variant was also documented in an individual from a hereditary breast and ovarian cancer (HBOC) cohort; however, this individual also carried a nonsense BRCA1 variant (subject #ID347 in Table A.1 and Table A.2, Krivokuca et al. 2022. PubMed ID: 34284872). This variant is reported in 0.0050% of alleles in individuals of East Asian descent in gnomAD and is interpreted as uncertain significance in ClinVar. At this time, the clinical significance of this variant is uncertain due to the absence of conclusive functional and genetic evidence.

Leiden Open Variation Database
Classification: Uncertain significance. Last evaluated: 2019-05-13. Review status: no assertion criteria provided. Collection method: curation. Allele origin: germline. Affected: no. Not counted in ClinVar's aggregate classification.
Comment: Curators: Marc Tischkowitz, Arleen D. Auerbach. Submitters to LOVD: Marc Tischkowitz, Melissa DeRycke, Yukihide Momozawa.

True Health Diagnostics
Classification: Uncertain significance for Hereditary cancer-predisposing syndrome. Last evaluated: 2017-09-21. Review status: no assertion criteria provided. Collection method: clinical testing. Allele origin: germline. Not counted in ClinVar's aggregate classification.

Literature cited by the submitters: PubMed 22241545 (cited by 10 submitters); PubMed 30287823 (cited by 10 submitters); PubMed 30651582 (cited by 8 submitters); PubMed 31214711 (cited by Labcorp Genetics (formerly Invitae), Labcorp and Color Diagnostics, LLC DBA Color Health); PubMed 34284872 (cited by Labcorp Genetics (formerly Invitae), Labcorp); PubMed 28779002 (cited by 3 submitters); PubMed 31721781 (cited by Color Diagnostics, LLC DBA Color Health and Department of Pathology and Laboratory Medicine, Sinai Health System); PubMed 32980694 (cited by 3 submitters); PubMed 33471991 (cited by 3 submitters); PubMed 37013556 (cited by 3 submitters); PubMed 25085752 (cited by Myriad Genetics, Inc.).